The following is an entry in ClinVar:

ClinVar aggregate classification (germline): Benign/Likely benign. Review status: criteria provided, multiple submitters, no conflicts (2 of 4 stars). 2 submissions from 2 submitters: Benign (1); Likely benign (1). Last evaluated 2026-01-28.

Conditions:
STT3B-related disorder. Also called: STT3B-related condition.
STT3B-congenital disorder of glycosylation. Also called: Congenital disorder of glycosylation type 1x; CDG Ix; STT3B-CDG. Identifiers: Orphanet 370924, MedGen C2931007, MONDO:0014271, OMIM 615597.

Submissions (2):

PreventionGenetics, part of Exact Sciences
Classification: Likely benign for STT3B-related condition. Last evaluated: 2026-01-28. Review status: criteria provided, single submitter. Criteria: ACMG Guidelines, 2015. Collection method: clinical testing. Allele origin: germline.
Comment: This variant is classified as likely benign based on ACMG/AMP sequence variant interpretation guidelines (Richards et al. 2015 PMID: 25741868, with internal and published modifications).

Labcorp Genetics (formerly Invitae), Labcorp
Classification: Benign for STT3B-congenital disorder of glycosylation. Last evaluated: 2026-01-27. Review status: criteria provided, single submitter. Criteria: Invitae Variant Classification Sherloc (09022015). Collection method: clinical testing. Allele origin: germline.

NM_178862.3(STT3B):c.712-3dup

Gene: STT3B (STT3 oligosaccharyltransferase complex catalytic subunit B; plus strand). Cytogenetic location: 3p23.
Variant type: Duplication.
Coding change: c.712-3dup on transcript NM_178862.3 (MANE Select); 3 bases into the intron before coding-DNA position 712, one base duplicated (T; older notation c.712-3dupT).
Molecular consequence: intron variant.
Genome position (GRCh38, 1-based): chr3:31,596,795, T duplicated; the last of 6 consecutive T bases (chr3:31,596,790-31,596,795); duplicating any one gives the same sequence. VCF-style (leftmost placement, unchanged base first): chr3-31596789-G-GT. GRCh37 (hg19) VCF-style: chr3-31638281-G-GT.
Other names: c.712-3dupT (NM_178862.2).
Identifiers: ClinVar variation 4737286 (VCV004737286.2).
Genomic context (GRCh38, chr3:31,596,789, plus strand): 5'-TTAACTTTTAAAAATTCCGCAAGAACATTTGTAAACATTTTTATTATATCAGTTGCTTTT[G>GT]TTTTTTAGGTAAAATCTGTAAAAACTGGGTCAGTTTTTTGGACAATGTGCTGCTGCTTAT-3'